The following is an entry in ClinVar:

NM_000368.5(TSC1):c.1701G>C (p.Ala567=)

Gene: TSC1 (TSC complex subunit 1; minus strand). Cytogenetic location: 9q34.13.
Variant type: single nucleotide variant.
Coding change: c.1701G>C on transcript NM_000368.5 (MANE Select); coding-DNA position 1701, G replaced by C.
Protein change: p.Ala567=; no amino-acid change (alanine 567 retained).
Molecular consequence: synonymous variant.
Genome position (GRCh38, 1-based): chr9:132,905,877, C>G on the plus strand (G>C on the coding strand, the complement: TSC1 is on the minus strand). VCF-style: chr9-132905877-C-G. GRCh37 (hg19) VCF-style: chr9-135781264-C-G.
Other names: c.1698G>C, p.Ala566= (NM_001162426.2); c.1548G>C, p.Ala516= (NM_001162427.2); c.1338G>C, p.Ala446= (NM_001362177.2).
Identifiers: ClinVar variation 237704 (VCV000237704.15), dbSNP rs35478675, ClinGen allele CA10582627.

ClinVar aggregate classification (germline): Benign/Likely benign. Review status: criteria provided, multiple submitters, no conflicts (2 of 4 stars). 4 submissions from 4 submitters: Benign (1); Likely benign (3). Last evaluated 2025-04-10.

Conditions:
Hereditary cancer-predisposing syndrome. Also called: Tumor predisposition; Hereditary Cancer Syndrome; Hereditary neoplastic syndrome; Neoplastic Syndromes, Hereditary. Identifiers: Orphanet 140162, MedGen C0027672, MeSH D009386, MONDO:0015356.
Tuberous sclerosis 1 (TSC1). Identifiers: Orphanet 805, MedGen C1854465, MONDO:0008612, OMIM 191100.
Tuberous sclerosis syndrome (TSC). Also called: Tuberous Sclerosis Complex; Tuberous sclerosis. Identifiers: Orphanet 805, MedGen C0041341, MONDO:0001734.

gnomAD v4.1: 8 of 1,612,272 alleles (0.0005%); highest among the groups gnomAD compares: Non-Finnish European, 0.00068%; no homozygotes.

Submissions (4):

Myriad Genetics, Inc.
Classification: Benign for Tuberous sclerosis 1. Last evaluated: 2025-04-10. Review status: criteria provided, single submitter. Criteria: Myriad Autosomal Dominant, Autosomal Recessive and X-Linked Classification Criteria (2023). Collection method: clinical testing. Allele origin: unknown.
Comment: This variant is considered benign. This variant is a silent/synonymous amino acid change and it is not expected to impact splicing.

Labcorp Genetics (formerly Invitae), Labcorp
Classification: Likely benign for Tuberous sclerosis 1. Last evaluated: 2024-11-19. Review status: criteria provided, single submitter. Criteria: Invitae Variant Classification Sherloc (09022015). Collection method: clinical testing. Allele origin: germline.

Color Diagnostics, LLC DBA Color Health
Classification: Likely benign for Tuberous sclerosis syndrome. Last evaluated: 2022-11-06. Review status: criteria provided, single submitter. Criteria: ACMG Guidelines, 2015. Collection method: clinical testing. Allele origin: germline.

Ambry Genetics
Classification: Likely benign for Hereditary cancer-predisposing syndrome. Last evaluated: 2020-11-19. Review status: criteria provided, single submitter. Criteria: Ambry Variant Classification Scheme 2023. Collection method: clinical testing. Allele origin: germline.